The following is an entry in ClinVar:

ClinVar aggregate classification (germline): Uncertain significance (1 of 4 stars; one submission).

Conditions:
Nephrotic syndrome, IIa 26. Also called: Nephrotic syndrome, type 26. Identifiers: MedGen C5774221, MONDO:0031061, OMIM 620049.

Submission:

3billion
Classification: Uncertain significance for Nephrotic syndrome, IIa 26. Last evaluated: 2024-11-04. Review status: criteria provided, single submitter. Criteria: ACMG Guidelines, 2015. Collection method: clinical testing. Allele origin: germline. Affected: yes.
Comment: The variant is not observed in the gnomAD v4.1.0 dataset. Predicted Consequence/Location: Synonymous variant In silico tools predict the variant to alter splicing and produce an abnormal transcript [SpliceAI: 0.78 (>=0.2, moderate evidence for spliceogenicity)]. The variant is in trans with the other variant. Therefore, this variant is classified as VUS (PM2_M, PM3_M, PP3_P) according to the recommendation of ACMG/AMP guideline.

NM_005560.6(LAMA5):c.1158C>G (p.Thr386=)

Gene: LAMA5 (laminin subunit alpha 5; minus strand). Cytogenetic location: 20q13.33.
Variant type: single nucleotide variant.
Coding change: c.1158C>G on transcript NM_005560.6 (MANE Select); coding-DNA position 1158, C replaced by G.
Protein change: p.Thr386=; no amino-acid change (threonine 386 retained).
Molecular consequence: synonymous variant.
Genome position (GRCh38, 1-based): chr20:62,346,715, G>C on the plus strand (C>G on the coding strand, the complement: LAMA5 is on the minus strand). VCF-style: chr20-62346715-G-C. GRCh37 (hg19) VCF-style: chr20-60921771-G-C.
Identifiers: ClinVar variation 3775640 (VCV003775640.2).